The following is an entry in ClinVar:

NM_000038.6(APC):c.3366_3369del (p.Asn1122fs)

Gene: APC (APC regulator of Wnt signaling pathway; plus strand). Cytogenetic location: 5q22.2.
Variant type: Deletion.
Coding change: c.3366_3369del on transcript NM_000038.6 (MANE Select); coding-DNA positions 3366 to 3369, 4 bases deleted (TCAA; older notation c.3366_3369delTCAA).
Protein change: p.Asn1122fs; shifts the reading frame from asparagine 1122.
Molecular consequence: frameshift variant.
Genome position (GRCh38, 1-based): chr5:112,838,960-112,838,963, TCAA deleted; deleting any 4 consecutive bases within chr5:112,838,958-112,838,963 gives the same sequence; the c. name uses the placement nearest the transcript's 3' end. VCF-style (leftmost placement, unchanged base first): chr5-112838957-TAATC-T. GRCh37 (hg19) VCF-style: chr5-112174654-TAATC-T.
Other names: c.3366_3369del, p.Asn1122fs (NM_001127510.3, NM_001354895.2); c.3312_3315del, p.Asn1104fs (NM_001127511.3); c.3420_3423del, p.Asn1140fs (NM_001354896.2); c.3396_3399del, p.Asn1132fs (NM_001354897.2); c.3291_3294del, p.Asn1097fs (NM_001354898.2); c.3282_3285del, p.Asn1094fs (NM_001354899.2); c.3243_3246del, p.Asn1081fs (NM_001354900.2); c.3189_3192del, p.Asn1063fs (NM_001354901.2); and 5 more; short protein forms N1094fs, N1104fs, N996fs, N1031fs, N839fs, N1122fs, N1132fs, N1021fs.
Identifiers: ClinVar variation 817033 (VCV000817033.13), dbSNP rs1580634573, ClinGen allele CA658760911.

ClinVar aggregate classification (germline): Pathogenic. Review status: criteria provided, multiple submitters, no conflicts (2 of 4 stars). 4 submissions from 4 submitters: Pathogenic (4). Last evaluated 2024-11-25.

Conditions:
Familial multiple polyposis syndrome (FAP). Also called: Familial adenomatous polyposis; Familial intestinal polyposis; Familial Adenomatous Polyposis (FAP); Familial polyposis; Classic familial adenomatous polyposis. Identifiers: Orphanet 733, MedGen C0032580, MONDO:0021055. Disease mechanism: loss of function.
Familial adenomatous polyposis 1 (FAP1). Also called: FAMILIAL ADENOMATOUS POLYPOSIS 1, ATTENUATED; POLYPOSIS, ADENOMATOUS INTESTINAL. Identifiers: MedGen C2713442, MONDO:0021056, OMIM 175100. Disease mechanism: loss of function.
Hereditary cancer-predisposing syndrome. Also called: Tumor predisposition; Hereditary neoplastic syndrome; Neoplastic Syndromes, Hereditary; Hereditary Cancer Syndrome. Identifiers: Orphanet 140162, MedGen C0027672, MeSH D009386, MONDO:0015356.

Submissions (4):

Ambry Genetics
Classification: Pathogenic for Hereditary cancer-predisposing syndrome. Last evaluated: 2024-11-25. Review status: criteria provided, single submitter. Criteria: Ambry Variant Classification Scheme 2023. Collection method: clinical testing. Allele origin: germline.
Comment: The c.3366_3369delTCAA pathogenic mutation, located in coding exon 15 of the APC gene, results from a deletion of 4 nucleotides at nucleotide positions 3366 to 3369, causing a translational frameshift with a predicted alternate stop codon (p.N1122Kfs*3). This variant was reported in individual(s) with features consistent with familial adenomatous polyposis or attenuated familial adenomatous polyposis (Nagase H et al. Hum Mutat. 1992;1:467-73; Andresen PA et al. J Cancer Res Clin Oncol. 2009 Oct;135:1463-70; Patel RV et al. Endoscopy. 2023 Sep;55:836-846) This variant is considered to be rare based on population cohorts in the Genome Aggregation Database (gnomAD). In addition to the clinical data presented in the literature, this alteration is expected to result in loss of function by premature protein truncation or nonsense-mediated mRNA decay. As such, this alteration is interpreted as a disease-causing mutation.

Women's Health and Genetics/Laboratory Corporation of America, LabCorp
Classification: Pathogenic for Familial multiple polyposis syndrome. Last evaluated: 2022-02-21. Review status: criteria provided, single submitter. Criteria: LabCorp Variant Classification Summary - May 2015. Collection method: clinical testing. Allele origin: germline.
Comment: Variant summary: APC c.3366_3369delTCAA (p.Asn1122LysfsX3) results in a premature termination codon, predicted to cause a truncation of the encoded protein or absence of the protein due to nonsense mediated decay, which are commonly known mechanisms for disease. Truncations downstream of this position have been classified as pathogenic by our laboratory. The variant was absent in 250582 control chromosomes. c.3366_3369delTCAA has been reported in the literature in individuals affected with Familial Adenomatous Polyposis (Nagase_1992, Wallis_1999, Andresen_2009). These data indicate that the variant may be associated with disease. To our knowledge, no experimental evidence demonstrating an impact on protein function has been reported. Two ClinVar submitters (evaluation after 2014) cite the variant as pathogenic. Based on the evidence outlined above, the variant was classified as pathogenic.

Labcorp Genetics (formerly Invitae), Labcorp
Classification: Pathogenic for Familial adenomatous polyposis 1. Last evaluated: 2020-04-10. Review status: criteria provided, single submitter. Criteria: Invitae Variant Classification Sherloc (09022015). Collection method: clinical testing. Allele origin: germline.
Comment: For these reasons, this variant has been classified as Pathogenic. A different truncation (p.Tyr2645Lysfs*14) that lies downstream of this variant has been determined to be pathogenic (PMID: 9824584, 1316610, 27081525, 8381579, 22135120, Invitae). This suggests that deletion of this region of the APC protein is causative of disease. This variant is expected to disrupt the EB1 and HDLG binding sites, which mediate interactions with the cytoskeleton (PMID: 15311282, 17293347). While functional studies have not been performed to directly test the effect on APC protein function, this suggests that disruption of the C-terminal portion of the protein is functionally important. This variant has been observed in individual(s) with clinical features of familial adenomatous polyposis (PMID: 1338764, 19444466, 9950360). This variant is not present in population databases (ExAC no frequency). This sequence change results in a premature translational stop signal in the APC gene (p.Asn1122Lysfs*3). While this is not anticipated to result in nonsense mediated decay, it is expected to disrupt the last 1722 amino acids of the APC protein.

GeneDx
Classification: Pathogenic. Last evaluated: 2018-05-31. Review status: criteria provided, single submitter. Criteria: GeneDx Variant Classification (06012015). Collection method: clinical testing. Allele origin: germline. Affected: yes.
Comment: This deletion of four nucleotides in APC is denoted c.3366_3369delTCAA at the cDNA level and p.Asn1122LysfsX3 (N1122KfsX3) at the protein level. The normal sequence, with the bases that are deleted in brackets, is TTAA[delTCAA]AATG. The deletion causes a frameshift which changes an Asparagine to a Lysine at codon 1122, and creates a premature stop codon at position 3 of the new reading frame. This variant is predicted to cause loss of normal protein function through either protein truncation or nonsense-mediated mRNA decay. APC c.3366_3369delTCAA has been observed in at least two individuals with familial adenomatous polyposis (Nagase 1992, Andresen 2009). We consider this variant to be pathogenic.

Literature cited by the submitters: PubMed 1338764 (cited by 3 submitters); PubMed 19444466 (cited by 3 submitters); PubMed 36807005 (cited by Ambry Genetics); PubMed 9950360 (cited by Women's Health and Genetics/Laboratory Corporation of America, LabCorp and Labcorp Genetics (formerly Invitae), Labcorp); PubMed 11950808 (cited by Women's Health and Genetics/Laboratory Corporation of America, LabCorp); PubMed 9824584 (cited by Labcorp Genetics (formerly Invitae), Labcorp); PubMed 1316610 (cited by Labcorp Genetics (formerly Invitae), Labcorp); PubMed 27081525 (cited by Labcorp Genetics (formerly Invitae), Labcorp); PubMed 8381579 (cited by Labcorp Genetics (formerly Invitae), Labcorp); PubMed 22135120 (cited by Labcorp Genetics (formerly Invitae), Labcorp); PubMed 15311282 (cited by Labcorp Genetics (formerly Invitae), Labcorp); PubMed 17293347 (cited by Labcorp Genetics (formerly Invitae), Labcorp).